The following is an entry in ClinVar:

ClinVar aggregate classification (germline): Likely benign (1 of 4 stars; one submission).

gnomAD v4.1: 1 of 1,425,538 alleles (0.00007%); highest among the groups gnomAD compares: Non-Finnish European, 0.000092%; no homozygotes.

Submission:

CeGaT Center for Human Genetics Tuebingen
Classification: Likely benign. Last evaluated: 2024-07-01. Review status: criteria provided, single submitter. Criteria: CeGaT Center For Human Genetics Tuebingen Variant Classification Criteria Version 2. Collection method: clinical testing. Allele origin: germline. Affected: yes. Observed: 1 variant allele.
Comment: CUX1: BP4, BP7

NM_181552.4(CUX1):c.4374C>T (p.Ser1458=)

Gene: CUX1 (cut like homeobox 1; plus strand). Cytogenetic location: 7q22.1.
Variant type: single nucleotide variant.
Coding change: c.4374C>T on transcript NM_181552.4 (MANE Select); coding-DNA position 4374, C replaced by T.
Protein change: p.Ser1458=; no amino-acid change (serine 1458 retained).
Molecular consequence: synonymous variant. On other transcripts: intron variant (5).
Genome position (GRCh38, 1-based): chr7:102,248,898, C>T. VCF-style: chr7-102248898-C-T. GRCh37 (hg19) VCF-style: chr7-101892178-C-T.
Other names: c.4407C>T, p.Ser1469= (NM_001202543.2); c.1256-24468C>T (NM_001913.5); c.1250-24468C>T (NM_181500.4); c.1118-24468C>T (NM_001202545.3); c.1208-24468C>T (NM_001202544.3); c.1139-24468C>T (NM_001202546.3).
Identifiers: ClinVar variation 3257090 (VCV003257090.17).